The following is an entry in ClinVar:

NM_014319.5(LEMD3):c.220G>A (p.Ala74Thr)

Gene: LEMD3 (LEM domain containing 3; plus strand). Cytogenetic location: 12q14.3.
Variant type: single nucleotide variant.
Coding change: c.220G>A on transcript NM_014319.5 (MANE Select); coding-DNA position 220, G replaced by A.
Protein change: p.Ala74Thr; replaces alanine 74 with threonine.
Molecular consequence: missense variant.
Genome position (GRCh38, 1-based): chr12:65,169,816, G>A. VCF-style: chr12-65169816-G-A. GRCh37 (hg19) VCF-style: chr12-65563596-G-A.
Other names: c.220G>A, p.Ala74Thr (NM_001167614.2); short protein forms A74T.
Identifiers: ClinVar variation 2966728 (VCV002966728.3), dbSNP rs1238707068, ClinGen allele CA385672139.

ClinVar aggregate classification (germline): Uncertain significance (1 of 4 stars; one submission).

gnomAD v4.1: 5 of 1,493,376 alleles (0.00033%); highest among the groups gnomAD compares: Non-Finnish European, 0.00045%; no homozygotes.

Submission:

Labcorp Genetics (formerly Invitae), Labcorp
Classification: Uncertain significance. Last evaluated: 2025-12-29. Review status: criteria provided, single submitter. Criteria: Invitae Variant Classification Sherloc (09022015). Collection method: clinical testing. Allele origin: germline.
Comment: This sequence change replaces alanine, which is neutral and non-polar, with threonine, which is neutral and polar, at codon 74 of the LEMD3 protein (p.Ala74Thr). The frequency data for this variant in the population databases is considered unreliable, as metrics indicate poor data quality at this position in the gnomAD database. This variant has not been reported in the literature in individuals affected with LEMD3-related conditions. ClinVar contains an entry for this variant (Variation ID: 2966728). An algorithm developed to predict the effect of missense changes on protein structure and function outputs the following: PolyPhen-2: "Benign". The threonine amino acid residue is found in multiple mammalian species, which suggests that this missense change does not adversely affect protein function. In summary, the available evidence is currently insufficient to determine the role of this variant in disease. Therefore, it has been classified as a Variant of Uncertain Significance.